The following is an entry in ClinVar:

NM_002408.4(MGAT2):c.511C>A (p.Pro171Thr)

Gene: MGAT2 (alpha-1,6-mannosyl-glycoprotein 2-beta-N-acetylglucosaminyltransferase; plus strand). Cytogenetic location: 14q21.3.
Variant type: single nucleotide variant.
Coding change: c.511C>A on transcript NM_002408.4 (MANE Select); coding-DNA position 511, C replaced by A.
Protein change: p.Pro171Thr; replaces proline 171 with threonine.
Molecular consequence: missense variant.
Genome position (GRCh38, 1-based): chr14:49,621,779, C>A. VCF-style: chr14-49621779-C-A. GRCh37 (hg19) VCF-style: chr14-50088497-C-A.
Other names: short protein forms P171T.
Identifiers: ClinVar variation 635035 (VCV000635035.2), dbSNP rs1327830771, ClinGen allele CA389619314.

ClinVar aggregate classification (germline): Uncertain significance. Review status: criteria provided, multiple submitters, no conflicts (2 of 4 stars). 2 submissions from 2 submitters: Uncertain significance (2). Last evaluated 2025-11-01.

Conditions:
MGAT2-congenital disorder of glycosylation. Also called: MGAT2-CDG; CDG IIa; Congenital disorder of glycosylation, type IIa; MENTAL RETARDATION, GROWTH RETARDATION, PROMINENT COLUMELLA, AND OPEN MOUTH; Alkuraya syndrome. Identifiers: Orphanet 79329, MedGen C2931008, MONDO:0008908, OMIM 212066.

Allele frequency attached by ClinVar (database versions not stated): gnomAD exomes below 0.00001.

Submissions (2):

Medical Molecular Genetics, National Research Centre
Classification: Uncertain significance for MGAT2-congenital disorder of glycosylation. Last evaluated: 2025-11-01. Review status: criteria provided, single submitter. Criteria: ACMG Guidelines, 2015. Collection method: research. Allele origin: inherited. Affected: yes.

Broad Center for Mendelian Genomics, Broad Institute of MIT and Harvard
Classification: Uncertain significance for MGAT2-congenital disorder of glycosylation. Last evaluated: 2018-06-15. Review status: criteria provided, single submitter. Criteria: ACMG Guidelines, 2015. Collection method: research. Allele origin: germline. Inheritance: Autosomal recessive inheritance. Affected: yes.
Comment: This variant has been identified in <0.01% (1/111716) of European (Non-Finnish) chromosomes by the Genome Aggregation Database (gnomAD). Although this variant has been seen in the general population, its frequency is low enough to be consistent with a recessive carrier frequency. The Proline (Pro) at position 171 is highly conserved in mammals and evolutionarily distant species, raising the possibility that a change at this position may not be tolerated. Computational prediction tools suggest that this variant may impact the protein, though this information is not predictive enough to determine pathogenicity. In summary, while there is some suspicion for a pathogenic role, the clinical significance of this variant is uncertain.